The following is an entry in ClinVar:

NM_020843.4(SCAPER):c.3457G>A (p.Val1153Ile)

Gene: SCAPER (S-phase cyclin A associated protein in the ER; minus strand). Cytogenetic location: 15q24.3.
Variant type: single nucleotide variant.
Coding change: c.3457G>A on transcript NM_020843.4 (MANE Select); coding-DNA position 3457, G replaced by A.
Protein change: p.Val1153Ile; replaces valine 1153 with isoleucine.
Molecular consequence: missense variant. On other transcripts: non-coding transcript variant (1).
Genome position (GRCh38, 1-based): chr15:76,404,534, C>T on the plus strand (G>A on the coding strand, the complement: SCAPER is on the minus strand). VCF-style: chr15-76404534-C-T. GRCh37 (hg19) VCF-style: chr15-76696875-C-T.
Other names: c.2719G>A, p.Val907Ile (NM_001145923.2); c.3475G>A, p.Val1159Ile (NM_001353009.2); c.3055G>A, p.Val1019Ile (NM_001353010.2, NM_001353012.2); c.3073G>A, p.Val1025Ile (NM_001353011.2); short protein forms V1153I, V1159I, V907I, V1019I, V1025I.
Identifiers: ClinVar variation 4986789 (VCV004986789.1).

ClinVar aggregate classification (germline): Uncertain significance (1 of 4 stars; one submission).

Conditions:
SCAPER-related disorder. Also called: SCAPER-related condition.

Submission:

PreventionGenetics, part of Exact Sciences
Classification: Uncertain significance for SCAPER-related condition. Last evaluated: 2025-12-23. Review status: criteria provided, single submitter. Criteria: ACMG Guidelines, 2015. Collection method: clinical testing. Allele origin: germline.
Comment: The SCAPER c.3475G>A variant is predicted to result in the amino acid substitution p.Val1159Ile. To our knowledge, this variant has not been reported in the literature. This variant is reported in 0.00090% of alleles in individuals of European (Non-Finnish) descent in gnomAD. At this time, the clinical significance of this variant is uncertain due to the absence of conclusive functional and genetic evidence.